The following is an entry in ClinVar:

ClinVar aggregate classification (germline): Uncertain significance (1 of 4 stars; one submission).

Conditions:
Familial temporal lobe epilepsy 7. Identifiers: Orphanet 101046, MedGen C4225327, MONDO:0014639, OMIM 616436.
Norman-Roberts syndrome (LIS2). Also called: Lissencephaly 2 (Norman-Roberts type). Identifiers: Orphanet 89844, MedGen C0796089, MONDO:0009760, OMIM 257320.

Submission:

Labcorp Genetics (formerly Invitae), Labcorp
Classification: Uncertain significance for Familial temporal lobe epilepsy 7; Norman-Roberts syndrome. Last evaluated: 2022-11-22. Review status: criteria provided, single submitter. Criteria: Invitae Variant Classification Sherloc (09022015). Collection method: clinical testing. Allele origin: germline.
Comment: In summary, the available evidence is currently insufficient to determine the role of this variant in disease. Therefore, it has been classified as a Variant of Uncertain Significance. Advanced modeling of protein sequence and biophysical properties (such as structural, functional, and spatial information, amino acid conservation, physicochemical variation, residue mobility, and thermodynamic stability) performed at Invitae indicates that this missense variant is not expected to disrupt RELN protein function. ClinVar contains an entry for this variant (Variation ID: 1430553). This variant has not been reported in the literature in individuals affected with RELN-related conditions. This variant is not present in population databases (gnomAD no frequency). This sequence change replaces serine, which is neutral and polar, with cysteine, which is neutral and slightly polar, at codon 569 of the RELN protein (p.Ser569Cys).

NM_005045.4(RELN):c.1706C>G (p.Ser569Cys)

Gene: RELN (reelin; minus strand). Cytogenetic location: 7q22.1.
Variant type: single nucleotide variant.
Coding change: c.1706C>G on transcript NM_005045.4 (MANE Select); coding-DNA position 1706, C replaced by G.
Protein change: p.Ser569Cys; replaces serine 569 with cysteine.
Molecular consequence: missense variant.
Genome position (GRCh38, 1-based): chr7:103,652,608, G>C on the plus strand (C>G on the coding strand, the complement: RELN is on the minus strand). VCF-style: chr7-103652608-G-C. GRCh37 (hg19) VCF-style: chr7-103293055-G-C.
Other names: c.1706C>G, p.Ser569Cys (NM_173054.3); short protein forms S569C.
Identifiers: ClinVar variation 1430553 (VCV001430553.7), dbSNP rs2117391403, ClinGen allele CA368765470.